The following is an entry in ClinVar:

ClinVar aggregate classification (germline): Uncertain significance (1 of 4 stars; one submission).

Conditions:
Cohen syndrome (COH1). Also called: Cutis verticis gyrata, retinitis pigmentosa, and sensorineural deafness; PEPPER SYNDROME. Identifiers: Orphanet 193, MedGen C0265223, MONDO:0008999, OMIM 216550.

gnomAD v4.1: 3 of 1,614,150 alleles (0.00019%); highest among the groups gnomAD compares: Non-Finnish European, 0.00025%; no homozygotes.

Submission:

Labcorp Genetics (formerly Invitae), Labcorp
Classification: Uncertain significance for Cohen syndrome. Last evaluated: 2022-08-06. Review status: criteria provided, single submitter. Criteria: Invitae Variant Classification Sherloc (09022015). Collection method: clinical testing. Allele origin: germline.
Comment: This sequence change replaces aspartic acid, which is acidic and polar, with tyrosine, which is neutral and polar, at codon 2093 of the VPS13B protein (p.Asp2093Tyr). This variant is not present in population databases (gnomAD no frequency). This variant has not been reported in the literature in individuals affected with VPS13B-related conditions. Algorithms developed to predict the effect of missense changes on protein structure and function are either unavailable or do not agree on the potential impact of this missense change (SIFT: "Not Available"; PolyPhen-2: "Probably Damaging"; Align-GVGD: "Not Available"). Algorithms developed to predict the effect of sequence changes on RNA splicing suggest that this variant may create or strengthen a splice site. In summary, the available evidence is currently insufficient to determine the role of this variant in disease. Therefore, it has been classified as a Variant of Uncertain Significance.

NM_152564.5(VPS13B):c.6202G>T (p.Asp2068Tyr)

Gene: VPS13B (vacuolar protein sorting 13 homolog B; plus strand). Cytogenetic location: 8q22.2.
Variant type: single nucleotide variant.
Coding change: c.6202G>T on transcript NM_152564.5 (MANE Select); coding-DNA position 6202, G replaced by T.
Protein change: p.Asp2068Tyr; replaces aspartic acid 2068 with tyrosine.
Molecular consequence: missense variant.
Genome position (GRCh38, 1-based): chr8:99,699,680, G>T. VCF-style: chr8-99699680-G-T. GRCh37 (hg19) VCF-style: chr8-100711908-G-T.
Other names: c.6277G>T, p.Asp2093Tyr (NM_017890.5); short protein forms D2093Y, D2068Y.
Identifiers: ClinVar variation 2163803 (VCV002163803.1), dbSNP rs1212718107, ClinGen allele CA371874626.